The following is an entry in ClinVar:

NM_022552.5(DNMT3A):c.2409-1G>A

Gene: DNMT3A (DNA methyltransferase 3 alpha; minus strand). Cytogenetic location: 2p23.3.
Variant type: single nucleotide variant.
Coding change: c.2409-1G>A on transcript NM_022552.5 (MANE Select); the canonical splice acceptor site of the intron before coding-DNA position 2409, G replaced by A.
Molecular consequence: splice acceptor variant.
Genome position (GRCh38, 1-based): chr2:25,237,006, C>T on the plus strand (G>A on the coding strand, the complement: DNMT3A is on the minus strand). VCF-style: chr2-25237006-C-T. GRCh37 (hg19) VCF-style: chr2-25459875-C-T.
Other names: c.2409-1G>A (NM_175629.2); c.1842-1G>A (NM_153759.3); c.1953-1G>A (NM_001320893.1); c.1740-1G>A (NM_001375819.1).
Identifiers: ClinVar variation 1349362 (VCV001349362.8), dbSNP rs866917013, ClinGen allele CA346069035.

ClinVar aggregate classification (germline): Likely pathogenic (1 of 4 stars; one submission).

Conditions:
Tatton-Brown-Rahman overgrowth syndrome. Also called: Tall stature-intellectual disability-facial dysmorphism syndrome; Tatton-Brown-Rahman syndrome. Identifiers: Orphanet 404443, MedGen C4014545, MONDO:0014382, OMIM 615879.

Submission:

Labcorp Genetics (formerly Invitae), Labcorp
Classification: Likely pathogenic for Tatton-Brown-Rahman overgrowth syndrome. Last evaluated: 2021-05-18. Review status: criteria provided, single submitter. Criteria: Invitae Variant Classification Sherloc (09022015). Collection method: clinical testing. Allele origin: germline.
Comment: This sequence change affects an acceptor splice site in intron 20 of the DNMT3A gene. It is expected to disrupt RNA splicing. Variants that disrupt the donor or acceptor splice site typically lead to a loss of protein function (PMID: 16199547), and loss-of-function variants in DNMT3A are known to be pathogenic (PMID: 24614070). In summary, the currently available evidence indicates that the variant is pathogenic, but additional data are needed to prove that conclusively. Therefore, this variant has been classified as Likely Pathogenic. Algorithms developed to predict the effect of sequence changes on RNA splicing suggest that this variant may disrupt the consensus splice site, but this prediction has not been confirmed by published transcriptional studies. This variant has not been reported in the literature in individuals with DNMT3A-related conditions. This variant is not present in population databases (ExAC no frequency).

Literature cited by the submitters: PubMed 16199547; PubMed 24614070.